The following is an entry in ClinVar:

NM_006005.3(WFS1):c.2596G>T (p.Asp866Tyr)

Gene: WFS1 (wolframin ER transmembrane glycoprotein; plus strand). Cytogenetic location: 4p16.1.
Variant type: single nucleotide variant.
Coding change: c.2596G>T on transcript NM_006005.3 (MANE Select); coding-DNA position 2596, G replaced by T.
Protein change: p.Asp866Tyr; replaces aspartic acid 866 with tyrosine.
Molecular consequence: missense variant.
Genome position (GRCh38, 1-based): chr4:6,302,391, G>T. VCF-style: chr4-6302391-G-T. GRCh37 (hg19) VCF-style: chr4-6304118-G-T.
Other names: c.2596G>T, p.Asp866Tyr (NM_001145853.1); short protein forms D866Y.
Identifiers: ClinVar variation 1367278 (VCV001367278.9), dbSNP rs3821945, ClinGen allele CA2839798.

ClinVar aggregate classification (germline): Uncertain significance. Review status: criteria provided, multiple submitters, no conflicts (2 of 4 stars). 4 submissions from 4 submitters: Uncertain significance (3). 1 of the submissions does not count toward it. Last evaluated 2025-07-14.

Conditions:
WFS1-related disorder. Identifiers: MedGen CN379391, MONDO:0700293.
Cataract 41 (CTRCT41). Also called: CATARACT 41, CONGENITAL NUCLEAR TYPE. Identifiers: Orphanet 91492, Orphanet 98991, Orphanet 98992, Orphanet 98995, MedGen C3805412, MONDO:0007287, OMIM 116400.
Wolfram syndrome 1 (WFS1). Identifiers: Orphanet 3463, MedGen C4551693, MONDO:0009101, OMIM 222300.
Autosomal dominant nonsyndromic hearing loss 6 (LFSNHL). Also called: DEAFNESS, AUTOSOMAL DOMINANT 6; DEAFNESS, AUTOSOMAL DOMINANT 14; DEAFNESS, AUTOSOMAL DOMINANT 38; Autosomal dominant nonsyndromic deafness 6. Identifiers: Orphanet 90635, MedGen C1833021, MONDO:0010963, OMIM 600965.
Wolfram-like syndrome. Also called: HEARING LOSS, PROGRESSIVE, WITH OPTIC ATROPHY AND/OR IMPAIRED GLUCOSE REGULATION. Identifiers: Orphanet 411590, MedGen C3280358, MONDO:0013673, OMIM 614296.
Type 2 diabetes mellitus. Also called: Type II diabetes mellitus. Identifiers: MedGen C0011860, MeSH D003924, MONDO:0005148, OMIM 125853, HP:0005978.

gnomAD v4.1: 19 of 1,613,000 alleles (0.0012%); highest among the groups gnomAD compares: Admixed American, 0.032%; no homozygotes.

Submissions (4):

Labcorp Genetics (formerly Invitae), Labcorp
Classification: Uncertain significance. Last evaluated: 2025-07-14. Review status: criteria provided, single submitter. Criteria: Invitae Variant Classification Sherloc (09022015). Collection method: clinical testing. Allele origin: germline.
Comment: This sequence change replaces aspartic acid, which is acidic and polar, with tyrosine, which is neutral and polar, at codon 866 of the WFS1 protein (p.Asp866Tyr). This variant is present in population databases (rs3821945, gnomAD 0.05%). This variant has not been reported in the literature in individuals affected with WFS1-related conditions. ClinVar contains an entry for this variant (Variation ID: 1367278). Invitae Evidence Modeling of protein sequence and biophysical properties (such as structural, functional, and spatial information, amino acid conservation, physicochemical variation, residue mobility, and thermodynamic stability) indicates that this missense variant is expected to disrupt WFS1 protein function with a positive predictive value of 95%. In summary, the available evidence is currently insufficient to determine the role of this variant in disease. Therefore, it has been classified as a Variant of Uncertain Significance.

GeneDx
Classification: Uncertain significance. Last evaluated: 2022-08-23. Review status: criteria provided, single submitter. Criteria: GeneDx Variant Classification Process June 2021. Collection method: clinical testing. Allele origin: germline. Affected: yes.
Comment: In silico analysis supports that this missense variant has a deleterious effect on protein structure/function; Has not been previously published as pathogenic or benign to our knowledge

Fulgent Genetics
Classification: Uncertain significance for Cataract 41; Type 2 diabetes mellitus; Wolfram syndrome 1; Autosomal dominant nonsyndromic hearing loss 6; Wolfram-like syndrome. Last evaluated: 2022-05-10. Review status: criteria provided, single submitter. Criteria: ACMG Guidelines, 2015. Collection method: clinical testing. Allele origin: unknown.

PreventionGenetics, part of Exact Sciences
Classification: Uncertain significance for WFS1-related condition. Last evaluated: 2024-03-06. Review status: no assertion criteria provided. Collection method: clinical testing. Allele origin: germline. Not counted in ClinVar's aggregate classification.
Comment: The WFS1 c.2596G>T variant is predicted to result in the amino acid substitution p.Asp866Tyr. To our knowledge, this variant has not been reported in the literature. This variant is reported in 0.049% of alleles in individuals of Latino descent in gnomAD. At this time, the clinical significance of this variant is uncertain due to the absence of conclusive functional and genetic evidence.